The following is an entry in ClinVar:

NM_004092.4(ECHS1):c.688G>T (p.Ala230Ser)

Gene: ECHS1 (enoyl-CoA hydratase, short chain 1; minus strand). Cytogenetic location: 10q26.3.
Variant type: single nucleotide variant.
Coding change: c.688G>T on transcript NM_004092.4 (MANE Select); coding-DNA position 688, G replaced by T.
Protein change: p.Ala230Ser; replaces alanine 230 with serine.
Molecular consequence: missense variant.
Genome position (GRCh38, 1-based): chr10:133,366,027, C>A on the plus strand (G>T on the coding strand, the complement: ECHS1 is on the minus strand). VCF-style: chr10-133366027-C-A. GRCh37 (hg19) VCF-style: chr10-135179531-C-A.
Other names: c.688G>T (NM_004092.3); short protein forms A230S.
Identifiers: ClinVar variation 1444029 (VCV001444029.4), dbSNP rs201621364, ClinGen allele CA5765682.

ClinVar aggregate classification (germline): Uncertain significance. Review status: criteria provided, multiple submitters, no conflicts (2 of 4 stars). 2 submissions from 2 submitters: Uncertain significance (2). Last evaluated 2025-04-04.

Conditions:
Inborn genetic diseases. Identifiers: MedGen C0950123, MeSH D030342.

Allele frequency attached by ClinVar (database versions not stated): gnomAD 0.00011 and 0.00014; TOPMed 0.00019; 1000 Genomes Project 30x 0.00031; ExAC 0.00002; gnomAD exomes 0.00004 and 0.00001; ESP Exome Variant Server 0.00008; 1000 Genomes Project 0.00020.

Submissions (2):

Ambry Genetics
Classification: Uncertain significance for Inborn genetic diseases. Last evaluated: 2025-04-04. Review status: criteria provided, single submitter. Criteria: Ambry Variant Classification Scheme 2023. Collection method: clinical testing. Allele origin: germline.

Labcorp Genetics (formerly Invitae), Labcorp
Classification: Uncertain significance. Last evaluated: 2022-10-24. Review status: criteria provided, single submitter. Criteria: Invitae Variant Classification Sherloc (09022015). Collection method: clinical testing. Allele origin: germline.
Comment: This sequence change replaces alanine, which is neutral and non-polar, with serine, which is neutral and polar, at codon 230 of the ECHS1 protein (p.Ala230Ser). This variant is present in population databases (rs201621364, gnomAD 0.04%). This variant has not been reported in the literature in individuals affected with ECHS1-related conditions. ClinVar contains an entry for this variant (Variation ID: 1444029). Advanced modeling of protein sequence and biophysical properties (such as structural, functional, and spatial information, amino acid conservation, physicochemical variation, residue mobility, and thermodynamic stability) performed at Invitae indicates that this missense variant is not expected to disrupt ECHS1 protein function. In summary, the available evidence is currently insufficient to determine the role of this variant in disease. Therefore, it has been classified as a Variant of Uncertain Significance.